The following is an entry in ClinVar:

NM_000784.4(CYP27A1):c.220G>C (p.Val74Leu)

Gene: CYP27A1 (cytochrome P450 family 27 subfamily A member 1; plus strand). Cytogenetic location: 2q35.
Variant type: single nucleotide variant.
Coding change: c.220G>C on transcript NM_000784.4 (MANE Select); coding-DNA position 220, G replaced by C.
Protein change: p.Val74Leu; replaces valine 74 with leucine.
Molecular consequence: missense variant.
Genome position (GRCh38, 1-based): chr2:218,782,402, G>C. VCF-style: chr2-218782402-G-C. GRCh37 (hg19) VCF-style: chr2-219647125-G-C.
Other names: short protein forms V74L.
Identifiers: ClinVar variation 1934349 (VCV001934349.2), dbSNP rs534844099, ClinGen allele CA350576832.

ClinVar aggregate classification (germline): Uncertain significance (1 of 4 stars; one submission).

Conditions:
Cholestanol storage disease (CTX). Also called: Cerebrotendinous Xanthomatosis; CTX: Cerebrotendinous xanthomatosis; CEREBRAL CHOLESTERINOSIS. Identifiers: Orphanet 909, MedGen C0238052, MONDO:0008948, OMIM 213700.

Submission:

Labcorp Genetics (formerly Invitae), Labcorp
Classification: Uncertain significance for Cholestanol storage disease. Last evaluated: 2022-08-12. Review status: criteria provided, single submitter. Criteria: Invitae Variant Classification Sherloc (09022015). Collection method: clinical testing. Allele origin: germline.
Comment: This sequence change replaces valine, which is neutral and non-polar, with leucine, which is neutral and non-polar, at codon 74 of the CYP27A1 protein (p.Val74Leu). This variant is not present in population databases (gnomAD no frequency). This variant has not been reported in the literature in individuals affected with CYP27A1-related conditions. Advanced modeling of protein sequence and biophysical properties (such as structural, functional, and spatial information, amino acid conservation, physicochemical variation, residue mobility, and thermodynamic stability) performed at Invitae indicates that this missense variant is not expected to disrupt CYP27A1 protein function. In summary, the available evidence is currently insufficient to determine the role of this variant in disease. Therefore, it has been classified as a Variant of Uncertain Significance.